The following is an entry in ClinVar:

ClinVar aggregate classification (germline): Uncertain significance (1 of 4 stars; one submission).

Submission:

CeGaT Center for Human Genetics Tuebingen
Classification: Uncertain significance. Last evaluated: 2026-09-01. Review status: criteria provided, single submitter. Criteria: CeGaT Center For Human Genetics Tuebingen Variant Classification Criteria Version 2. Collection method: clinical testing. Allele origin: germline. Affected: yes. Observed: 2 variant alleles.
Comment: ATN1: PM4

NM_001940.4(ATN1):c.1718_1732del (p.Asn573_Ser577del)

Gene: ATN1 (atrophin 1; plus strand). Cytogenetic location: 12p13.31.
Variant type: Deletion.
Coding change: c.1718_1732del on transcript NM_001940.4 (MANE Select); coding-DNA positions 1718 to 1732, 15 bases deleted (ACTCTTCCTCTTCCA).
Protein change: p.Asn573_Ser577del.
Molecular consequence: inframe deletion.
Genome position (GRCh38, 1-based): chr12:6,936,985-6,936,999, ACTCTTCCTCTTCCA deleted; deleting any 15 consecutive bases within chr12:6,936,971-6,936,999 gives the same sequence; the c. name uses the placement nearest the transcript's 3' end. VCF-style (leftmost placement, unchanged base first): chr12-6936970-TCTCTTCCTCTTCCAA-T. GRCh37 (hg19) VCF-style: chr12-7046133-TCTCTTCCTCTTCCAA-T.
Other names: c.1718_1732del, p.Asn573_Ser577del (NM_001007026.2, NM_001424176.1, NM_001424177.1 and 1 more transcripts); c.1715_1729del, p.Asn572_Ser576del (NM_001424179.1, NM_001424180.1); c.1694_1708del, p.Asn565_Ser569del (NM_001424182.1).
Identifiers: ClinVar variation 3898327 (VCV003898327.7).
Genomic context (GRCh38, chr12:6,936,970, plus strand): 5'-ACCTGCCCCCACCTCACAGCCAGGTGTCCTACAGCCAAGCAGGCCCCAATGGCCCTCCAG[TCTCTTCCTCTTCCAA>T]CTCTTCCTCTTCCACTTCTCAAGGGTCCTACCCATGTTCACACCCCTCCCCTTCCCAGGG-3'